The following is an entry in ClinVar:

NM_000466.3(PEX1):c.3005G>A (p.Cys1002Tyr)

Genes: GATAD1 (GATA zinc finger domain containing 1; plus strand), PEX1 (peroxisomal biogenesis factor 1; minus strand). Cytogenetic location: 7q21.2.
Variant type: single nucleotide variant.
Coding change: c.3005G>A on transcript NM_000466.3 (MANE Select); coding-DNA position 3005, G replaced by A.
Protein change: p.Cys1002Tyr; replaces cysteine 1002 with tyrosine.
Molecular consequence: missense variant.
Genome position (GRCh38, 1-based): chr7:92,494,318, C>T on the plus strand (G>A on the coding strand, the complement: PEX1 is on the minus strand). VCF-style: chr7-92494318-C-T. GRCh37 (hg19) VCF-style: chr7-92123632-C-T.
Other names: c.2834G>A, p.Cys945Tyr (NM_001282677.2); c.2381G>A, p.Cys794Tyr (NM_001282678.2); short protein forms C794Y, C945Y, C1002Y.
Identifiers: ClinVar variation 4987139 (VCV004987139.1).

ClinVar aggregate classification (germline): Uncertain significance (1 of 4 stars; one submission).

Conditions:
PEX1-related disorder. Also called: PEX1-related condition.

gnomAD v4.1: 1 of 1,613,662 alleles (0.000062%); highest among the groups gnomAD compares: African/African-American, 0.0013%; no homozygotes.

Submission:

PreventionGenetics, part of Exact Sciences
Classification: Uncertain significance for PEX1-related condition. Last evaluated: 2026-07-14. Review status: criteria provided, single submitter. Criteria: ACMG Guidelines, 2015. Collection method: clinical testing. Allele origin: germline.
Comment: The PEX1 c.3005G>A variant is predicted to result in the amino acid substitution p.Cys1002Tyr. To our knowledge, this variant has not been reported in the literature or in a large population database (gnomAD), indicating this variant is rare. At this time, the clinical significance of this variant is uncertain due to the absence of conclusive functional and genetic evidence.